The following is an entry in ClinVar:

ClinVar aggregate classification (germline): Uncertain significance (1 of 4 stars; one submission).

Conditions:
Arrhythmogenic right ventricular dysplasia 13. Also called: ARRHYTHMOGENIC RIGHT VENTRICULAR CARDIOMYOPATHY 13; Arrhythmogenic right ventricular dysplasia, familial, 13. Identifiers: MedGen C3810138, MONDO:0000908, OMIM 615616.

Allele frequency attached by ClinVar (database versions not stated): gnomAD 0.00002; gnomAD exomes below 0.00001; ExAC 0.00001; TOPMed 0.00003; ESP Exome Variant Server 0.00008.
gnomAD v4.1: 4 of 1,613,860 alleles (0.00025%); highest among the groups gnomAD compares: African/African-American, 0.0053%; no homozygotes.

Submission:

Labcorp Genetics (formerly Invitae), Labcorp
Classification: Uncertain significance for Arrhythmogenic right ventricular dysplasia 13. Last evaluated: 2025-05-13. Review status: criteria provided, single submitter. Criteria: Invitae Variant Classification Sherloc (09022015). Collection method: clinical testing. Allele origin: germline.
Comment: This sequence change replaces aspartic acid, which is acidic and polar, with histidine, which is basic and polar, at codon 517 of the CTNNA3 protein (p.Asp517His). This variant is present in population databases (rs373151978, gnomAD 0.008%). This variant has not been reported in the literature in individuals affected with CTNNA3-related conditions. ClinVar contains an entry for this variant (Variation ID: 2888715). Invitae Evidence Modeling of protein sequence and biophysical properties (such as structural, functional, and spatial information, amino acid conservation, physicochemical variation, residue mobility, and thermodynamic stability) indicates that this missense variant is not expected to disrupt CTNNA3 protein function with a negative predictive value of 80%. In summary, the available evidence is currently insufficient to determine the role of this variant in disease. Therefore, it has been classified as a Variant of Uncertain Significance.

NM_013266.4(CTNNA3):c.1549G>C (p.Asp517His)

Gene: CTNNA3 (catenin alpha 3; minus strand). Cytogenetic location: 10q21.3.
Variant type: single nucleotide variant.
Coding change: c.1549G>C on transcript NM_013266.4 (MANE Select); coding-DNA position 1549, G replaced by C.
Protein change: p.Asp517His; replaces aspartic acid 517 with histidine.
Molecular consequence: missense variant.
Genome position (GRCh38, 1-based): chr10:66,379,335, C>G on the plus strand (G>C on the coding strand, the complement: CTNNA3 is on the minus strand). VCF-style: chr10-66379335-C-G. GRCh37 (hg19) VCF-style: chr10-68139093-C-G.
Other names: c.1549G>C, p.Asp517His (NM_001127384.3); short protein forms D517H.
Identifiers: ClinVar variation 2888715 (VCV002888715.3), dbSNP rs373151978, ClinGen allele CA5519898.